The following is an entry in ClinVar:

ClinVar aggregate classification (germline): Likely benign. Review status: reviewed by expert panel (3 of 4 stars). 10 submissions from 10 submitters: Likely benign (1). 9 of the submissions do not count toward it. Last evaluated 2017-06-29.

Conditions:
Breast-ovarian cancer, familial, susceptibility to, 1 (BROVCA1). Also called: BRCA1 Hereditary Breast and Ovarian Cancer; OVARIAN CANCER, SUSCEPTIBILITY TO. Identifiers: Orphanet 145, MedGen C2676676, MONDO:0011450, OMIM 604370. Disease mechanism: loss of function.
Hereditary breast ovarian cancer syndrome. Also called: Breast and ovarian cancer; Hereditary breast and ovarian cancer; Hereditary breast and ovarian cancer syndrome; Hereditary breast and/or ovarian cancer syndrome; BRCA1- and BRCA2-Associated Hereditary Breast and Ovarian Cancer; Hereditary breast and ovarian cancer syndrome (HBOC). Identifiers: Orphanet 145, MedGen C0677776, MeSH D061325, MONDO:0003582. Disease mechanism: loss of function.
Hereditary cancer-predisposing syndrome. Also called: Tumor predisposition; Hereditary Cancer Syndrome; Neoplastic Syndromes, Hereditary; Hereditary neoplastic syndrome. Identifiers: Orphanet 140162, MedGen C0027672, MeSH D009386, MONDO:0015356.

Allele frequency attached by ClinVar (database versions not stated): ExAC 0.00001; gnomAD exomes 0.00001; TOPMed 0.00002.
gnomAD v4.1: 9 of 1,613,412 alleles (0.00056%); highest among the groups gnomAD compares: Admixed American, 0.005%; no homozygotes.

Submissions (10):

Evidence-based Network for the Interpretation of Germline Mutant Alleles (ENIGMA)
Classification: Likely benign for Breast-ovarian cancer, familial, susceptibility to, 1. Last evaluated: 2017-06-29. Review status: reviewed by expert panel. Criteria: ENIGMA BRCA1/2 Classification Criteria (2017-06-29). Collection method: curation. Allele origin: germline.
Comment: Synonymous substitution variant, with low bioinformatic likelihood to result in a splicing aberration (Splicing prior probability 0.02).

Labcorp Genetics (formerly Invitae), Labcorp
Classification: Likely benign for Hereditary breast ovarian cancer syndrome. Last evaluated: 2025-12-18. Review status: criteria provided, single submitter. Criteria: Invitae Variant Classification Sherloc (09022015). Collection method: clinical testing. Allele origin: germline. Not counted in ClinVar's aggregate classification.

Blueprint Genetics
Classification: Likely benign. Last evaluated: 2024-04-15. Review status: criteria provided, single submitter. Criteria: ACMG Guidelines, 2015. Collection method: clinical testing. Allele origin: germline. Not counted in ClinVar's aggregate classification.

All of Us Research Program, National Institutes of Health
Classification: Likely benign for Breast-ovarian cancer, familial, susceptibility to, 1. Last evaluated: 2023-07-10. Review status: criteria provided, single submitter. Criteria: ACMG Guidelines, 2015. Collection method: clinical testing. Allele origin: germline. Inheritance: Autosomal dominant inheritance. Observed: 1 variant allele, 1 heterozygote. Not counted in ClinVar's aggregate classification.
Comment: This study involves interpretation of variants in research participants for the purpose of population health screening. Participant phenotype was not available at the time of variant classification. Additional details can be found in publication PMID: 35346344, PMCID: PMC8962531

Ambry Genetics
Classification: Likely benign for Hereditary cancer-predisposing syndrome. Last evaluated: 2019-12-20. Review status: criteria provided, single submitter. Criteria: Ambry Variant Classification Scheme 2023. Collection method: clinical testing. Allele origin: germline. Not counted in ClinVar's aggregate classification.

Quest Diagnostics Nichols Institute San Juan Capistrano
Classification: Likely benign. Last evaluated: 2019-10-06. Review status: criteria provided, single submitter. Criteria: Quest Diagnostics criteria. Collection method: clinical testing. Allele origin: unknown. Not counted in ClinVar's aggregate classification.

Women's Health and Genetics/Laboratory Corporation of America, LabCorp
Classification: Likely benign. Last evaluated: 2019-08-21. Review status: criteria provided, single submitter. Criteria: LabCorp Variant Classification Summary - May 2015. Collection method: clinical testing. Allele origin: germline. Not counted in ClinVar's aggregate classification.

GeneDx
Classification: Likely benign. Last evaluated: 2019-05-14. Review status: criteria provided, single submitter. Criteria: GeneDx Variant Classification Process June 2021. Collection method: clinical testing. Allele origin: germline. Affected: yes. Not counted in ClinVar's aggregate classification.
Comment: This variant is associated with the following publications: (PMID: 20104584)

Eurofins Ntd Llc (ga)
Classification: Uncertain significance. Last evaluated: 2018-03-12. Review status: criteria provided, single submitter. Criteria: EGL ClinVar v180209 classification definitions. Collection method: clinical testing. Allele origin: germline. Observed: 1 variant allele, 1 heterozygote. Not counted in ClinVar's aggregate classification.

Color Diagnostics, LLC DBA Color Health
Classification: Likely benign for Hereditary cancer-predisposing syndrome. Last evaluated: 2016-12-22. Review status: criteria provided, single submitter. Criteria: ACMG Guidelines, 2015. Collection method: clinical testing. Allele origin: germline. Not counted in ClinVar's aggregate classification.

NM_007294.4(BRCA1):c.4047G>A (p.Thr1349=)

Genes: BRCA1 (BRCA1 DNA repair associated; minus strand), LOC126862571 (BRD4-independent group 4 enhancer GRCh37_chr17:41243136-41244335; plus strand). Cytogenetic location: 17q21.31.
Variant type: single nucleotide variant.
Coding change: c.4047G>A on transcript NM_007294.4 (MANE Select); coding-DNA position 4047, G replaced by A.
Protein change: p.Thr1349=; no amino-acid change (threonine 1349 retained).
Molecular consequence: synonymous variant. On other transcripts: intron variant (135).
Genome position (GRCh38, 1-based): chr17:43,091,484, C>T on the plus strand (G>A on the coding strand, the complement: BRCA1 is on the minus strand). VCF-style: chr17-43091484-C-T. GRCh37 (hg19) VCF-style: chr17-41243501-C-T.
Other names: c.3780G>A, p.Thr1260= (NM_001407932.1, NM_001407934.1, NM_001407936.1 and 2 more transcripts); c.3783G>A, p.Thr1261= (NM_001407933.1, NM_001407935.1, NM_001407920.1 and 9 more transcripts); c.3924G>A, p.Thr1308= (NM_001407937.1, NM_001407938.1, NM_001407939.1 and 19 more transcripts); c.3921G>A, p.Thr1307= (NM_001407940.1, NM_001407941.1, NM_001407649.1 and 11 more transcripts); c.3906G>A, p.Thr1302= (NM_001407942.1, NM_001407944.1, NM_001407945.1 and 29 more transcripts); c.3903G>A, p.Thr1301= (NM_001407943.1, NM_001407964.1, NM_001407740.1 and 20 more transcripts); c.3714G>A, p.Thr1238= (NM_001407946.1, NM_001407947.1, NM_001407948.1 and 6 more transcripts); c.3711G>A, p.Thr1237= (NM_001407954.1, NM_001407955.1, NM_001407956.1 and 1 more transcripts); and 41 more.
Identifiers: ClinVar variation 219948 (VCV000219948.33), dbSNP rs758515222, ClinGen allele CA059018.